The following is an entry in ClinVar:

ClinVar aggregate classification (germline): Uncertain significance. Review status: criteria provided, multiple submitters, no conflicts (2 of 4 stars). 3 submissions from 3 submitters: Uncertain significance (3). Last evaluated 2025-06-29.

Conditions:
Inborn genetic diseases. Identifiers: MedGen C0950123, MeSH D030342.
Muscular dystrophy-dystroglycanopathy (congenital with brain and eye anomalies), type a, 11 (MDDGA11). Also called: WALKER-WARBURG SYNDROME OR MUSCLE-EYE-BRAIN DISEASE, B3GALNT2-RELATED; Congenital muscular dystrophy-dystroglycanopathy with brain and eye anomalies, type A11; Muscular dystrophy-dystroglycanopathy (congenital with brain and eye anomalies, type A, 11. Identifiers: Orphanet 588, Orphanet 899, MedGen C3554638, MONDO:0014071, OMIM 615181.

Allele frequency attached by ClinVar (database versions not stated): gnomAD 0.00003 and 0.00004; TOPMed 0.00004.

Submissions (3):

Ambry Genetics
Classification: Uncertain significance for Inborn genetic diseases. Last evaluated: 2025-06-29. Review status: criteria provided, single submitter. Criteria: Ambry Variant Classification Scheme 2023. Collection method: clinical testing. Allele origin: germline.

Labcorp Genetics (formerly Invitae), Labcorp
Classification: Uncertain significance for Muscular dystrophy-dystroglycanopathy (congenital with brain and eye anomalies), type a, 11. Last evaluated: 2022-07-05. Review status: criteria provided, single submitter. Criteria: Invitae Variant Classification Sherloc (09022015). Collection method: clinical testing. Allele origin: germline.
Comment: This sequence change replaces glycine, which is neutral and non-polar, with arginine, which is basic and polar, at codon 33 of the B3GALNT2 protein (p.Gly33Arg). The frequency data for this variant in the population databases is considered unreliable, as metrics indicate poor data quality at this position in the gnomAD database. This variant has not been reported in the literature in individuals affected with B3GALNT2-related conditions. ClinVar contains an entry for this variant (Variation ID: 432390). Algorithms developed to predict the effect of missense changes on protein structure and function (SIFT, PolyPhen-2, Align-GVGD) all suggest that this variant is likely to be tolerated. Algorithms developed to predict the effect of sequence changes on RNA splicing suggest that this variant may create or strengthen a splice site. In summary, the available evidence is currently insufficient to determine the role of this variant in disease. Therefore, it has been classified as a Variant of Uncertain Significance.

GeneDx
Classification: Uncertain significance. Last evaluated: 2017-06-01. Review status: criteria provided, single submitter. Criteria: GeneDx Variant Classification (06012015). Collection method: clinical testing. Allele origin: germline. Affected: yes.
Comment: A variant of uncertain significance has been identified in the B3GALNT2 gene. The G33R variant has not been published as a pathogenic variant, nor has it been reported as a benign variant to our knowledge. The G33R variant is not observed at a significant frequency in large population cohorts (Lek et al., 2016; 1000 Genomes Consortium et al., 2015; Exome Variant Server). The G33R variant is a non-conservative amino acid substitution, which is likely to impact secondary protein structure as these residues differ in polarity, charge, size and/or other properties. However, this substitution occurs at a position that is not conserved. In silico analysis is inconsistent in its predictions as to whether or not the variant is damaging to the protein structure/function. Therefore, based on the currently available information, it is unclear whether this variant is a pathogenic variant or a rare benign variant.

NM_152490.5(B3GALNT2):c.97G>A (p.Gly33Arg)

Gene: B3GALNT2 (beta-1,3-N-acetylgalactosaminyltransferase 2; minus strand). Cytogenetic location: 1q42.3.
Variant type: single nucleotide variant.
Coding change: c.97G>A on transcript NM_152490.5 (MANE Select); coding-DNA position 97, G replaced by A.
Protein change: p.Gly33Arg; replaces glycine 33 with arginine.
Molecular consequence: missense variant.
Genome position (GRCh38, 1-based): chr1:235,504,156, C>T on the plus strand (G>A on the coding strand, the complement: B3GALNT2 is on the minus strand). VCF-style: chr1-235504156-C-T. GRCh37 (hg19) VCF-style: chr1-235667456-C-T.
Other names: c.97G>A, p.Gly33Arg (NM_001277155.3); short protein forms G33R.
Identifiers: ClinVar variation 432390 (VCV000432390.8), dbSNP rs1006228968, ClinGen allele CA39593942.